The following is an entry in ClinVar:

NM_000053.4(ATP7B):c.3070G>C (p.Val1024Leu)

Gene: ATP7B (ATPase copper transporting beta; minus strand). Cytogenetic location: 13q14.3.
Variant type: single nucleotide variant.
Coding change: c.3070G>C on transcript NM_000053.4 (MANE Select); coding-DNA position 3070, G replaced by C.
Protein change: p.Val1024Leu; replaces valine 1024 with leucine.
Molecular consequence: missense variant. On other transcripts: intron variant (1).
Genome position (GRCh38, 1-based): chr13:51,944,282, C>G on the plus strand (G>C on the coding strand, the complement: ATP7B is on the minus strand). VCF-style: chr13-51944282-C-G. GRCh37 (hg19) VCF-style: chr13-52518418-C-G.
Other names: c.2422G>C, p.Val808Leu (NM_001406545.1); c.2389G>C, p.Val797Leu (NM_001406546.1); c.2227G>C, p.Val743Leu (NM_001406547.1); c.1780G>C, p.Val594Leu (NM_001406548.1); c.3061-1728G>C (NM_001406523.1); c.2449G>C, p.Val817Leu (NM_001005918.3); c.2737G>C, p.Val913Leu (NM_001243182.2); c.2836G>C, p.Val946Leu (NM_001330578.2, NM_001406527.1, NM_001406528.1 and 1 more transcripts); and 20 more; short protein forms V1006L, V1013L, V1022L, V1024L, V594L, V743L, V797L, V808L.
Identifiers: ClinVar variation 3075598 (VCV003075598.4), dbSNP rs749817527, ClinGen allele CA250080284.

ClinVar aggregate classification (germline): Uncertain significance. Review status: criteria provided, multiple submitters, no conflicts (2 of 4 stars). 3 submissions from 3 submitters: Uncertain significance (3). Last evaluated 2024-05-30.

Conditions:
Wilson disease (WND). Also called: Wilson's disease. Identifiers: Orphanet 905, MedGen C0019202, MONDO:0010200, OMIM 277900. Disease mechanism: loss of function.

Allele frequency attached by ClinVar (database versions not stated): gnomAD exomes 0.00001; gnomAD 0.00002.
gnomAD v4.1: 11 of 1,613,866 alleles (0.00068%); highest among the groups gnomAD compares: Non-Finnish European, 0.00093%; 1 homozygote.

Submissions (3):

All of Us Research Program, National Institutes of Health
Classification: Uncertain significance for Wilson disease. Last evaluated: 2024-05-30. Review status: criteria provided, single submitter. Criteria: ACMG Guidelines, 2015. Collection method: clinical testing. Allele origin: germline. Inheritance: Autosomal recessive inheritance. Observed: 4 variant alleles, 4 heterozygotes.
Comment: This missense variant replaces valine with leucine at codon 1024 of the ATP7B protein. Computational prediction suggests that this variant may have deleterious impact on protein structure and function (internally defined REVEL score threshold >= 0.7, PMID: 27666373). To our knowledge, functional studies have not been reported for this variant. This variant has not been reported in individuals affected with ATP7B-related disorders in the literature. This variant has not been identified in the general population by the Genome Aggregation Database (gnomAD). The available evidence is insufficient to determine the role of this variant in disease conclusively. Therefore, this variant is classified as a Variant of Uncertain Significance.

This study involves interpretation of variants in research participants for the purpose of population health screening. Participant phenotype was not available at the time of variant classification. Additional details can be found in publication PMID: 35346344, PMCID: PMC8962531

GeneDx
Classification: Uncertain significance. Last evaluated: 2023-07-19. Review status: criteria provided, single submitter. Criteria: GeneDx Variant Classification Process June 2021. Collection method: clinical testing. Allele origin: germline. Affected: yes.
Comment: Reported previously in the heterozygous state in an individual with bipolar disorder (Sriretnakumar et al., 2019); Not observed at significant frequency in large population cohorts (gnomAD); In silico analysis supports that this missense variant has a deleterious effect on protein structure/function; This variant is associated with the following publications: (PMID: 30556376)

Color Diagnostics, LLC DBA Color Health
Classification: Uncertain significance for Wilson disease. Last evaluated: 2022-05-06. Review status: criteria provided, single submitter. Criteria: ACMG Guidelines, 2015. Collection method: clinical testing. Allele origin: germline.
Comment: This missense variant replaces valine with leucine at codon 1024 of the ATP7B protein. Computational prediction suggests that this variant may have deleterious impact on protein structure and function. To our knowledge, functional studies have not been reported for this variant. This variant has not been reported in individuals affected with ATP7B-related disorders in the literature. This variant has not been identified in the general population by the Genome Aggregation Database (gnomAD). The available evidence is insufficient to determine the role of this variant in disease conclusively. Therefore, this variant is classified as a Variant of Uncertain Significance.